The following is an entry in ClinVar:

NM_000038.6(APC):c.387A>G (p.Glu129=)

Gene: APC (APC regulator of Wnt signaling pathway; plus strand). Cytogenetic location: 5q22.2.
Variant type: single nucleotide variant.
Coding change: c.387A>G on transcript NM_000038.6 (MANE Select); coding-DNA position 387, A replaced by G.
Protein change: p.Glu129=; no amino-acid change (glutamic acid 129 retained).
Molecular consequence: synonymous variant. On other transcripts: 5 prime UTR variant (1).
Genome position (GRCh38, 1-based): chr5:112,767,355, A>G. VCF-style: chr5-112767355-A-G. GRCh37 (hg19) VCF-style: chr5-112103052-A-G.
Other names: c.387A>G, p.Glu129= (NM_001127510.3, NM_001354895.2, NM_001354896.2 and 2 more transcripts); c.417A>G, p.Glu139= (NM_001127511.3, NM_001354897.2, NM_001354902.2); c.312A>G, p.Glu104= (NM_001354898.2, NM_001354904.2); c.210A>G, p.Glu70= (NM_001354900.2, NM_001354901.2, NM_001354905.2); c.-649A>G (NM_001354906.2).
Identifiers: ClinVar variation 487019 (VCV000487019.19), dbSNP rs1554069832, ClinGen allele CA445753410.

ClinVar aggregate classification (germline): Benign/Likely benign. Review status: criteria provided, multiple submitters, no conflicts (2 of 4 stars). 5 submissions from 5 submitters: Benign (1); Likely benign (4). Last evaluated 2026-05-12.

Conditions:
Familial adenomatous polyposis 1 (FAP1). Also called: FAMILIAL ADENOMATOUS POLYPOSIS 1, ATTENUATED; POLYPOSIS, ADENOMATOUS INTESTINAL. Identifiers: MedGen C2713442, MONDO:0021056, OMIM 175100. Disease mechanism: loss of function.
Hereditary cancer-predisposing syndrome. Also called: Tumor predisposition; Hereditary Cancer Syndrome; Neoplastic Syndromes, Hereditary; Hereditary neoplastic syndrome. Identifiers: Orphanet 140162, MedGen C0027672, MeSH D009386, MONDO:0015356.

Submissions (5):

Women's Health and Genetics/Laboratory Corporation of America, LabCorp
Classification: Likely benign. Last evaluated: 2026-05-12. Review status: criteria provided, single submitter. Criteria: LabCorp Variant Classification Summary - May 2015. Collection method: clinical testing. Allele origin: germline.

Myriad Genetics, Inc.
Classification: Benign for Familial adenomatous polyposis 1. Last evaluated: 2024-02-23. Review status: criteria provided, single submitter. Criteria: Myriad Autosomal Dominant, Autosomal Recessive and X-Linked Classification Criteria (2023). Collection method: clinical testing. Allele origin: unknown.
Comment: This variant is considered benign. This variant is a silent/synonymous amino acid change and it is not expected to impact splicing.

Labcorp Genetics (formerly Invitae), Labcorp
Classification: Likely benign for Familial adenomatous polyposis 1. Last evaluated: 2024-02-19. Review status: criteria provided, single submitter. Criteria: Invitae Variant Classification Sherloc (09022015). Collection method: clinical testing. Allele origin: germline.

Color Diagnostics, LLC DBA Color Health
Classification: Likely benign for Hereditary cancer-predisposing syndrome. Last evaluated: 2017-06-26. Review status: criteria provided, single submitter. Criteria: ACMG Guidelines, 2015. Collection method: clinical testing. Allele origin: germline.

Ambry Genetics
Classification: Likely benign for Hereditary cancer-predisposing syndrome. Last evaluated: 2017-02-22. Review status: criteria provided, single submitter. Criteria: Ambry Variant Classification Scheme 2023. Collection method: clinical testing. Allele origin: germline.